The following is an entry in ClinVar:

ClinVar aggregate classification (germline): Pathogenic (1 of 4 stars; one submission).

Conditions:
CDKN1C-related disorder. Also called: CDKN1C-related condition.

Submission:

Daryl Scott Lab, Baylor College of Medicine
Classification: Pathogenic for CDKN1C-related disorder. Last evaluated: 2024-01-01. Review status: criteria provided, single submitter. Criteria: ACMG Guidelines, 2015. Collection method: clinical testing. Allele origin: maternal. Affected: yes. Observed: 1 heterozygote.
Comment: PVS1, PM2

NM_001122630.2(CDKN1C):c.156C>G (p.Tyr52Ter)

Gene: CDKN1C (cyclin dependent kinase inhibitor 1C; minus strand). Cytogenetic location: 11p15.4.
Variant type: single nucleotide variant.
Coding change: c.156C>G on transcript NM_001122630.2 (MANE Select); coding-DNA position 156, C replaced by G.
Protein change: p.Tyr52Ter; replaces tyrosine 52 with a stop codon.
Molecular consequence: nonsense.
Genome position (GRCh38, 1-based): chr11:2,885,301, G>C on the plus strand (C>G on the coding strand, the complement: CDKN1C is on the minus strand). VCF-style: chr11-2885301-G-C. GRCh37 (hg19) VCF-style: chr11-2906531-G-C.
Other names: c.189C>G, p.Tyr63Ter (NM_000076.2, NM_001362474.2); c.156C>G, p.Tyr52Ter (NM_001122631.2, NM_001362475.2); short protein forms Y52*, Y63*.
Identifiers: ClinVar variation 3764565 (VCV003764565.1).